The following is an entry in ClinVar:

NM_001061.7(TBXAS1):c.871C>T (p.Pro291Ser)

Gene: TBXAS1 (thromboxane A synthase 1; plus strand). Cytogenetic location: 7q34.
Variant type: single nucleotide variant.
Coding change: c.871C>T on transcript NM_001061.7 (MANE Select); coding-DNA position 871, C replaced by T.
Protein change: p.Pro291Ser; replaces proline 291 with serine.
Molecular consequence: missense variant.
Genome position (GRCh38, 1-based): chr7:139,961,970, C>T. VCF-style: chr7-139961970-C-T. GRCh37 (hg19) VCF-style: chr7-139661769-C-T.
Other names: c.871C>T, p.Pro291Ser (NM_001130966.5, NM_030984.6); c.1009C>T, p.Pro337Ser (NM_001166253.4); c.670C>T, p.Pro224Ser (NM_001166254.4); c.814C>T, p.Pro272Ser (NM_001314028.4); c.688C>T, p.Pro230Ser (NM_001366537.3); short protein forms P224S, P230S, P337S, P291S, P272S.
Identifiers: ClinVar variation 1521444 (VCV001521444.8), dbSNP rs1810388588, ClinGen allele CA369584121.
Genomic context (GRCh38, chr7:139,961,970, plus strand): 5'-GTTCCTTAGAGGCGGAGAGACTTCCTCCAAATGGTCCTGGATGCCCGACATTCTGCAAGT[C>T]CCATGGGCGTGCAAGACTTTGACATCGTCAGAGACGTTTTCTCCTCTACTGGGTGCAAGC-3'
Protein context (NP_001052.3, residues 281-301): MVLDARHSAS[Pro291Ser]MGVQDFDIVR

ClinVar aggregate classification (germline): Uncertain significance (1 of 4 stars; one submission).

Allele frequency attached by ClinVar (database versions not stated): TOPMed 0.00001.

Submission:

Labcorp Genetics (formerly Invitae), Labcorp
Classification: Uncertain significance. Last evaluated: 2024-10-25. Review status: criteria provided, single submitter. Criteria: Invitae Variant Classification Sherloc (09022015). Collection method: clinical testing. Allele origin: germline.
Comment: This sequence change replaces proline, which is neutral and non-polar, with serine, which is neutral and polar, at codon 292 of the TBXAS1 protein (p.Pro292Ser). This variant is not present in population databases (gnomAD no frequency). This variant has not been reported in the literature in individuals affected with TBXAS1-related conditions. ClinVar contains an entry for this variant (Variation ID: 1521444). Invitae Evidence Modeling of protein sequence and biophysical properties (such as structural, functional, and spatial information, amino acid conservation, physicochemical variation, residue mobility, and thermodynamic stability) indicates that this missense variant is not expected to disrupt TBXAS1 protein function with a negative predictive value of 95%. In summary, the available evidence is currently insufficient to determine the role of this variant in disease. Therefore, it has been classified as a Variant of Uncertain Significance.